The following is an entry in ClinVar:

ClinVar aggregate classification (germline): Uncertain significance. Review status: criteria provided, multiple submitters, no conflicts (2 of 4 stars). 2 submissions from 2 submitters: Uncertain significance (2). Last evaluated 2025-02-21.

Allele frequency attached by ClinVar (database versions not stated): gnomAD 0.00001; TOPMed 0.00002.

Submissions (2):

Women's Health and Genetics/Laboratory Corporation of America, LabCorp
Classification: Uncertain significance. Last evaluated: 2025-02-21. Review status: criteria provided, single submitter. Criteria: LabCorp Variant Classification Summary - May 2015. Collection method: clinical testing. Allele origin: germline.
Comment: Variant summary: AQP2 c.656A>G (p.Tyr219Cys) results in a non-conservative amino acid change located in the MIP domain (IPR000425) of the encoded protein sequence. Five of five in-silico tools predict a damaging effect of the variant on protein function. The variant allele was found at a frequency of 1.9e-06 in 1612630 control chromosomes. c.656A>G has been reported in the literature in at least two individuals affected with Nephrogenic Diabetes Insipidus (e.g., Mansilla_2021, internal testing). These data indicate that the variant may be associated with disease. To our knowledge, no experimental evidence demonstrating an impact on protein function has been reported. The following publication has been ascertained in the context of this evaluation (PMID: 31738409). ClinVar contains an entry for this variant (Variation ID: 1991964). Based on the evidence outlined above, the variant was classified as VUS-possibly pathogenic.

Labcorp Genetics (formerly Invitae), Labcorp
Classification: Uncertain significance. Last evaluated: 2022-05-05. Review status: criteria provided, single submitter. Criteria: Invitae Variant Classification Sherloc (09022015). Collection method: clinical testing. Allele origin: germline.
Comment: This sequence change replaces tyrosine, which is neutral and polar, with cysteine, which is neutral and slightly polar, at codon 219 of the AQP2 protein (p.Tyr219Cys). This variant is not present in population databases (gnomAD no frequency). This missense change has been observed in individual(s) with autosomal recessive nephrogenic diabetes insipidus (Invitae). In at least one individual the data is consistent with being in trans (on the opposite chromosome) from a pathogenic variant. Advanced modeling of protein sequence and biophysical properties (such as structural, functional, and spatial information, amino acid conservation, physicochemical variation, residue mobility, and thermodynamic stability) performed at Invitae indicates that this missense variant is not expected to disrupt AQP2 protein function. In summary, the available evidence is currently insufficient to determine the role of this variant in disease. Therefore, it has been classified as a Variant of Uncertain Significance.

Literature cited by the submitters: PubMed 31738409 (cited by Women's Health and Genetics/Laboratory Corporation of America, LabCorp).

NM_000486.6(AQP2):c.656A>G (p.Tyr219Cys)

Genes: AQP2 (aquaporin 2; plus strand), AQP5-AS1 (AQP5 and AQP2 antisense RNA 2; minus strand). Cytogenetic location: 12q13.12.
Variant type: single nucleotide variant.
Coding change: c.656A>G on transcript NM_000486.6 (MANE Select); coding-DNA position 656, A replaced by G.
Protein change: p.Tyr219Cys; replaces tyrosine 219 with cysteine.
Molecular consequence: missense variant.
Genome position (GRCh38, 1-based): chr12:49,955,448, A>G. VCF-style: chr12-49955448-A-G. GRCh37 (hg19) VCF-style: chr12-50349231-A-G.
Other names: short protein forms Y219C.
Identifiers: ClinVar variation 1991964 (VCV001991964.2), dbSNP rs1006730946, ClinGen allele CA236735840.